The following is an entry in ClinVar:

ClinVar aggregate classification (germline): Uncertain significance (1 of 4 stars; one submission).

Allele frequency attached by ClinVar (database versions not stated): 1000 Genomes Project 30x 0.00016; 1000 Genomes Project 0.00020.
gnomAD v4.1: 12 of 1,614,084 alleles (0.00074%); highest among the groups gnomAD compares: East Asian, 0.0089%; no homozygotes.

Submission:

Labcorp Genetics (formerly Invitae), Labcorp
Classification: Uncertain significance. Last evaluated: 2022-11-08. Review status: criteria provided, single submitter. Criteria: Invitae Variant Classification Sherloc (09022015). Collection method: clinical testing. Allele origin: germline.
Comment: This sequence change replaces aspartic acid, which is acidic and polar, with asparagine, which is neutral and polar, at codon 511 of the KLHL3 protein (p.Asp511Asn). This variant is present in population databases (rs559251218, gnomAD 0.02%). This variant has not been reported in the literature in individuals affected with KLHL3-related conditions. Advanced modeling of protein sequence and biophysical properties (such as structural, functional, and spatial information, amino acid conservation, physicochemical variation, residue mobility, and thermodynamic stability) performed at Invitae indicates that this missense variant is not expected to disrupt KLHL3 protein function. In summary, the available evidence is currently insufficient to determine the role of this variant in disease. Therefore, it has been classified as a Variant of Uncertain Significance.

NM_017415.3(KLHL3):c.1531G>A (p.Asp511Asn)

Gene: KLHL3 (kelch like family member 3; minus strand). Cytogenetic location: 5q31.2.
Variant type: single nucleotide variant.
Coding change: c.1531G>A on transcript NM_017415.3 (MANE Select); coding-DNA position 1531, G replaced by A.
Protein change: p.Asp511Asn; replaces aspartic acid 511 with asparagine.
Molecular consequence: missense variant.
Genome position (GRCh38, 1-based): chr5:137,628,357, C>T on the plus strand (G>A on the coding strand, the complement: KLHL3 is on the minus strand). VCF-style: chr5-137628357-C-T. GRCh37 (hg19) VCF-style: chr5-136964046-C-T.
Other names: c.1435G>A, p.Asp479Asn (NM_001257194.1); c.1285G>A, p.Asp429Asn (NM_001257195.2); short protein forms D429N, D479N, D511N.
Identifiers: ClinVar variation 2965124 (VCV002965124.3), dbSNP rs559251218, ClinGen allele CA3422182.